The following is an entry in ClinVar:

NM_012424.6(RPS6KC1):c.2169T>A (p.Asn723Lys)

Gene: RPS6KC1 (ribosomal protein S6 kinase C1; plus strand). Cytogenetic location: 1q32.3.
Variant type: single nucleotide variant.
Coding change: c.2169T>A on transcript NM_012424.6 (MANE Select); coding-DNA position 2169, T replaced by A.
Protein change: p.Asn723Lys; replaces asparagine 723 with lysine.
Molecular consequence: missense variant. On other transcripts: non-coding transcript variant (4).
Genome position (GRCh38, 1-based): chr1:213,241,645, T>A. VCF-style: chr1-213241645-T-A. GRCh37 (hg19) VCF-style: chr1-213414988-T-A.
Other names: c.1113T>A, p.Asn371Lys (NM_001349661.2, NM_001349662.2, NM_001349659.2 and 1 more transcripts); c.774T>A, p.Asn258Lys (NM_001349663.2, NM_001349664.2, NM_001349665.2 and 8 more transcripts); c.2169T>A (NM_012424.3); c.2133T>A, p.Asn711Lys (NM_001136138.4); c.1533T>A, p.Asn511Lys (NM_001287218.3, NM_001287219.3, NM_001349654.2); c.1626T>A, p.Asn542Lys (NM_001287221.3, NM_001349648.2, NM_001349649.2 and 4 more transcripts); c.2076T>A, p.Asn692Lys (NM_001349646.2); c.1806T>A, p.Asn602Lys (NM_001349647.2); and 1 more; short protein forms N258K, N692K, N371K, N426K, N542K, N711K, N723K, N511K.
Identifiers: ClinVar variation 1955321 (VCV001955321.6), dbSNP rs777347529, ClinGen allele CA1387575.
Genomic context (GRCh38, chr1:213,241,645, plus strand): 5'-AGAAGCTGCAGCAATGGGACCTACTAAGTTTACACAAACTAATATAGGGATAATAGAAAA[T>A]AAACTCTTGGAAGCCCCTGATGTTTTATGCCTCAGGCTTAGTACTGAACAATGCCAAGCA-3'
Protein context (NP_036556.2, residues 713-733): FTQTNIGIIE[Asn723Lys]KLLEAPDVLC

ClinVar aggregate classification (germline): Uncertain significance. Review status: criteria provided, multiple submitters, no conflicts (2 of 4 stars). 2 submissions from 2 submitters: Uncertain significance (2). Last evaluated 2025-12-17.

Allele frequency attached by ClinVar (database versions not stated): gnomAD exomes below 0.00001; ExAC 0.00001; gnomAD 0.00005; TOPMed 0.00013.
gnomAD v4.1: 16 of 1,613,664 alleles (0.00099%); highest among the groups gnomAD compares: African/African-American, 0.019%; no homozygotes.

Submissions (2):

Ambry Genetics
Classification: Uncertain significance. Last evaluated: 2025-12-17. Review status: criteria provided, single submitter. Criteria: Ambry Variant Classification Scheme 2023. Collection method: clinical testing. Allele origin: germline.

Labcorp Genetics (formerly Invitae), Labcorp
Classification: Uncertain significance. Last evaluated: 2021-12-24. Review status: criteria provided, single submitter. Criteria: Invitae Variant Classification Sherloc (09022015). Collection method: clinical testing. Allele origin: germline.
Comment: In summary, the available evidence is currently insufficient to determine the role of this variant in disease. Therefore, it has been classified as a Variant of Uncertain Significance. Algorithms developed to predict the effect of missense changes on protein structure and function (SIFT, PolyPhen-2, Align-GVGD) all suggest that this variant is likely to be tolerated. This variant has not been reported in the literature in individuals affected with RPS6KC1-related conditions. This variant is present in population databases (rs777347529, gnomAD 0.03%). This sequence change replaces asparagine, which is neutral and polar, with lysine, which is basic and polar, at codon 723 of the RPS6KC1 protein (p.Asn723Lys).